The following is an entry in ClinVar:

ClinVar aggregate classification (germline): Benign/Likely benign. Review status: criteria provided, multiple submitters, no conflicts (2 of 4 stars). 7 submissions from 7 submitters: Benign (2); Likely benign (5). Last evaluated 2026-03-01.

Conditions:
Loeys-Dietz syndrome 4 (LDS4). Also called: ANEURYSM, AORTIC AND CEREBRAL, WITH ARTERIAL TORTUOSITY AND SKELETAL MANIFESTATIONS; TGFB2-Related Loeys-Dietz Syndrome. Identifiers: MedGen C3553762, MONDO:0013897, OMIM 614816.
Ehlers-Danlos syndrome (EDS). Identifiers: Orphanet 98249, MedGen C0013720, MONDO:0020066.
Familial thoracic aortic aneurysm and aortic dissection (TAAD). Also called: Thoracic aortic aneurysms and dissections. Identifiers: Orphanet 91387, MedGen C4707243, MONDO:0019625.

Allele frequency attached by ClinVar (database versions not stated): gnomAD 0.00001 and 0.00020; TOPMed 0.00004; gnomAD exomes 0.00034 and 0.00066; ExAC 0.00069; 1000 Genomes Project 30x 0.00109; 1000 Genomes Project 0.00120.
gnomAD v4.1: 533 of 1,613,862 alleles (0.033%); highest among the groups gnomAD compares: South Asian, 0.48%; 5 homozygotes.

Submissions (7):

CeGaT Center for Human Genetics Tuebingen
Classification: Likely benign. Last evaluated: 2026-03-01. Review status: criteria provided, single submitter. Criteria: CeGaT Center For Human Genetics Tuebingen Variant Classification Criteria Version 2. Collection method: clinical testing. Allele origin: germline. Affected: yes. Observed: 1 variant allele.
Comment: TGFB2: BP4, BP7

Labcorp Genetics (formerly Invitae), Labcorp
Classification: Benign for Loeys-Dietz syndrome 4. Last evaluated: 2026-01-12. Review status: criteria provided, single submitter. Criteria: Invitae Variant Classification Sherloc (09022015). Collection method: clinical testing. Allele origin: germline.

Blueprint Genetics
Classification: Likely benign. Last evaluated: 2024-11-25. Review status: criteria provided, single submitter. Criteria: ACMG Guidelines, 2015. Collection method: clinical testing. Allele origin: germline.

Ambry Genetics
Classification: Likely benign for Familial thoracic aortic aneurysm and aortic dissection. Last evaluated: 2022-04-03. Review status: criteria provided, single submitter. Criteria: Ambry Variant Classification Scheme 2023. Collection method: clinical testing. Allele origin: germline.

Genome Diagnostics Laboratory, The Hospital for Sick Children
Classification: Likely benign for Ehlers-Danlos syndrome. Last evaluated: 2022-03-04. Review status: criteria provided, single submitter. Criteria: ACMG Guidelines, 2015. Collection method: clinical testing. Allele origin: germline.

GeneDx
Classification: Likely benign. Last evaluated: 2019-05-31. Review status: criteria provided, single submitter. Criteria: GeneDx Variant Classification Process June 2021. Collection method: clinical testing. Allele origin: germline. Affected: yes.

CHEO Genetics Diagnostic Laboratory, Children's Hospital of Eastern Ontario
Classification: Benign for Familial thoracic aortic aneurysm and aortic dissection. Last evaluated: 2019-01-18. Review status: criteria provided, single submitter. Criteria: ACMG Guidelines, 2015. Collection method: clinical testing. Allele origin: germline.

NM_003238.6(TGFB2):c.501G>A (p.Glu167=)

Gene: TGFB2 (transforming growth factor beta 2; plus strand). Cytogenetic location: 1q41.
Variant type: single nucleotide variant.
Coding change: c.501G>A on transcript NM_003238.6 (MANE Select); coding-DNA position 501, G replaced by A.
Protein change: p.Glu167=; no amino-acid change (glutamic acid 167 retained).
Molecular consequence: synonymous variant. On other transcripts: non-coding transcript variant (2).
Genome position (GRCh38, 1-based): chr1:218,405,323, G>A. VCF-style: chr1-218405323-G-A. GRCh37 (hg19) VCF-style: chr1-218578665-G-A.
Other names: c.585G>A, p.Glu195= (NM_001135599.4).
Identifiers: ClinVar variation 509439 (VCV000509439.28), dbSNP rs550789732, ClinGen allele CA1398461.
Genomic context (GRCh38, chr1:218,405,323, plus strand): 5'-AGAGTTCAGAGTCTTTCGTTTGCAGAACCCAAAAGCCAGAGTGCCTGAACAACGGATTGA[G>A]CTATATCAGGTAATGTTCATTTGTTGTTGTTGTTGTTGTTGTTGTTGTTGTTTTAGACAG-3'
Protein context (NP_003229.1, residues 157-177): PKARVPEQRI[Glu167=]LYQILKSKDL